The following is an entry in ClinVar:

NM_176787.5(PIGN):c.2213G>A (p.Cys738Tyr)

Gene: PIGN (phosphatidylinositol glycan anchor biosynthesis class N; minus strand). Cytogenetic location: 18q21.33.
Variant type: single nucleotide variant.
Coding change: c.2213G>A on transcript NM_176787.5 (MANE Select); coding-DNA position 2213, G replaced by A.
Protein change: p.Cys738Tyr; replaces cysteine 738 with tyrosine.
Molecular consequence: missense variant.
Genome position (GRCh38, 1-based): chr18:62,090,546, C>T on the plus strand (G>A on the coding strand, the complement: PIGN is on the minus strand). VCF-style: chr18-62090546-C-T. GRCh37 (hg19) VCF-style: chr18-59757779-C-T.
Other names: c.2213G>A, p.Cys738Tyr (NM_012327.6); short protein forms C738Y.
Identifiers: ClinVar variation 937076 (VCV000937076.7), dbSNP rs764133639, ClinGen allele CA8982039.

ClinVar aggregate classification (germline): Uncertain significance. Review status: criteria provided, multiple submitters, no conflicts (2 of 4 stars). 2 submissions from 2 submitters: Uncertain significance (2). Last evaluated 2024-06-04.

Conditions:
Multiple congenital anomalies-hypotonia-seizures syndrome 1 (MCAHS1). Also called: PIGN-CDG; Congenital disorder of glycosylation due to PIGN deficiency; GLYCOSYLPHOSPHATIDYLINOSITOL BIOSYNTHESIS DEFECT 3. Identifiers: Orphanet 280633, MedGen C3279775, MONDO:0013563, OMIM 614080.
Inborn genetic diseases. Identifiers: MedGen C0950123, MeSH D030342.

Allele frequency attached by ClinVar (database versions not stated): gnomAD exomes below 0.00001 and 0.00002; ExAC 0.00001.
gnomAD v4.1: 23 of 1,609,444 alleles (0.0014%); highest among the groups gnomAD compares: Non-Finnish European, 0.002%; no homozygotes.

Submissions (2):

Ambry Genetics
Classification: Uncertain significance for Inborn genetic diseases. Last evaluated: 2024-06-04. Review status: criteria provided, single submitter. Criteria: Ambry Variant Classification Scheme 2023. Collection method: clinical testing. Allele origin: germline.

Labcorp Genetics (formerly Invitae), Labcorp
Classification: Uncertain significance for Multiple congenital anomalies-hypotonia-seizures syndrome 1. Last evaluated: 2022-09-06. Review status: criteria provided, single submitter. Criteria: Invitae Variant Classification Sherloc (09022015). Collection method: clinical testing. Allele origin: germline.
Comment: This sequence change replaces cysteine, which is neutral and slightly polar, with tyrosine, which is neutral and polar, at codon 738 of the PIGN protein (p.Cys738Tyr). This variant is present in population databases (rs764133639, gnomAD 0.0009%). This variant has not been reported in the literature in individuals affected with PIGN-related conditions. ClinVar contains an entry for this variant (Variation ID: 937076). Algorithms developed to predict the effect of missense changes on protein structure and function (SIFT, PolyPhen-2, Align-GVGD) all suggest that this variant is likely to be tolerated. In summary, the available evidence is currently insufficient to determine the role of this variant in disease. Therefore, it has been classified as a Variant of Uncertain Significance.